The following is an entry in ClinVar:

ClinVar aggregate classification (germline): Uncertain significance. Review status: criteria provided, multiple submitters, no conflicts (2 of 4 stars). 2 submissions from 2 submitters: Uncertain significance (2). Last evaluated 2025-07-22.

Conditions:
Inborn genetic diseases. Identifiers: MedGen C0950123, MeSH D030342.

Allele frequency attached by ClinVar (database versions not stated): gnomAD 0.00001; gnomAD exomes 0.00001; TOPMed 0.00001; ExAC 0.00004.
gnomAD v4.1: 18 of 1,586,914 alleles (0.0011%); highest among the groups gnomAD compares: Admixed American, 0.018%; no homozygotes.

Submissions (2):

GeneDx
Classification: Uncertain significance. Last evaluated: 2025-07-22. Review status: criteria provided, single submitter. Criteria: GeneDx Variant Classification Process June 2021. Collection method: clinical testing. Allele origin: germline. Affected: yes.
Comment: In silico analysis supports that this missense variant has a deleterious effect on protein structure/function; Has not been previously published as pathogenic or benign to our knowledge

Ambry Genetics
Classification: Uncertain significance for Inborn genetic diseases. Last evaluated: 2023-04-06. Review status: criteria provided, single submitter. Criteria: Ambry Variant Classification Scheme 2023. Collection method: clinical testing. Allele origin: germline.

NM_004667.6(HERC2):c.11498C>T (p.Pro3833Leu)

Gene: HERC2 (HECT and RLD domain containing E3 ubiquitin protein ligase 2; minus strand). Cytogenetic location: 15q13.1.
Variant type: single nucleotide variant.
Coding change: c.11498C>T on transcript NM_004667.6 (MANE Select); coding-DNA position 11498, C replaced by T.
Protein change: p.Pro3833Leu; replaces proline 3833 with leucine.
Molecular consequence: missense variant.
Genome position (GRCh38, 1-based): chr15:28,142,873, G>A on the plus strand (C>T on the coding strand, the complement: HERC2 is on the minus strand). VCF-style: chr15-28142873-G-A. GRCh37 (hg19) VCF-style: chr15-28388019-G-A.
Other names: c.11498C>T (NM_004667.5); short protein forms P3833L.
Identifiers: ClinVar variation 2533907 (VCV002533907.3), dbSNP rs757822447, ClinGen allele CA7440545.